The following is an entry in ClinVar:

NM_021942.6(TRAPPC11):c.2696T>C (p.Phe899Ser)

Gene: TRAPPC11 (trafficking protein particle complex subunit 11; plus strand). Cytogenetic location: 4q35.1.
Variant type: single nucleotide variant.
Coding change: c.2696T>C on transcript NM_021942.6 (MANE Select); coding-DNA position 2696, T replaced by C.
Protein change: p.Phe899Ser; replaces phenylalanine 899 with serine.
Molecular consequence: missense variant.
Genome position (GRCh38, 1-based): chr4:183,697,680, T>C. VCF-style: chr4-183697680-T-C. GRCh37 (hg19) VCF-style: chr4-184618833-T-C.
Other names: c.2696T>C (NM_021942.4); c.2696T>C, p.Phe899Ser (NM_199053.3); short protein forms F899S.
Identifiers: ClinVar variation 474356 (VCV000474356.8), dbSNP rs777270916, ClinGen allele CA3152299.
Genomic context (GRCh38, chr4:183,697,680, plus strand): 5'-GAAATGATAAAATGGATTAAGGTAATTCCTGACAGACCTTTTATCTTCATTTGTGACAGT[T>C]TGAGCACCTGGAAAGGGTTTATGCTGACATCCCCTTTCTGTTGATGACGGACCTCTTAAG-3'
Protein context (NP_068761.4, residues 889-909): DVAVKFVSTK[Phe899Ser]EHLERVYADI

ClinVar aggregate classification (germline): Uncertain significance. Review status: criteria provided, multiple submitters, no conflicts (2 of 4 stars). 2 submissions from 2 submitters: Uncertain significance (2). Last evaluated 2025-09-21.

Conditions:
Autosomal recessive limb-girdle muscular dystrophy type R18 (LGMDR18). Also called: Limb-girdle muscular dystrophy, type 2S; MUSCULAR DYSTROPHY, LIMB-GIRDLE, AUTOSOMAL RECESSIVE 18; Autosomal recessive limb-girdle muscular dystrophy type 2S. Identifiers: Orphanet 369840, MedGen C4517996, MONDO:0014144, OMIM 615356.
Inborn genetic diseases. Identifiers: MedGen C0950123, MeSH D030342.

Allele frequency attached by ClinVar (database versions not stated): gnomAD exomes 0.00001 and 0.00003; ExAC 0.00002; TOPMed 0.00002; gnomAD 0.00003.
gnomAD v4.1: 18 of 1,613,750 alleles (0.0011%); highest among the groups gnomAD compares: Admixed American, 0.022%; no homozygotes.

Submissions (2):

Ambry Genetics
Classification: Uncertain significance for Inborn genetic diseases. Last evaluated: 2025-09-21. Review status: criteria provided, single submitter. Criteria: Ambry Variant Classification Scheme 2023. Collection method: clinical testing. Allele origin: germline.

Labcorp Genetics (formerly Invitae), Labcorp
Classification: Uncertain significance for Autosomal recessive limb-girdle muscular dystrophy type R18. Last evaluated: 2025-07-07. Review status: criteria provided, single submitter. Criteria: Invitae Variant Classification Sherloc (09022015). Collection method: clinical testing. Allele origin: germline.
Comment: This sequence change replaces phenylalanine, which is neutral and non-polar, with serine, which is neutral and polar, at codon 899 of the TRAPPC11 protein (p.Phe899Ser). This variant is present in population databases (rs777270916, gnomAD 0.02%). This variant has not been reported in the literature in individuals affected with TRAPPC11-related conditions. ClinVar contains an entry for this variant (Variation ID: 474356). An algorithm developed to predict the effect of missense changes on protein structure and function (PolyPhen-2) suggests that this variant is likely to be disruptive. In summary, the available evidence is currently insufficient to determine the role of this variant in disease. Therefore, it has been classified as a Variant of Uncertain Significance.